The following is an entry in ClinVar:

ClinVar aggregate classification (germline): Uncertain significance. Review status: criteria provided, multiple submitters, no conflicts (2 of 4 stars). 4 submissions from 4 submitters: Uncertain significance (4). Last evaluated 2025-05-16.

Conditions:
Cardiovascular phenotype. Identifiers: MedGen CN230736.
Brugada syndrome. Also called: Sudden unexpected nocturnal death syndrome; Sudden unexplained nocturnal death syndrome; Sudden Unexplained Death Syndrome; Sudden Unexplained Nocturnal Death Syndrome (SUNDS). Identifiers: Orphanet 130, MedGen C1142166, MONDO:0015263.

Allele frequency attached by ClinVar (database versions not stated): gnomAD exomes 0.00001.

Submissions (4):

Labcorp Genetics (formerly Invitae), Labcorp
Classification: Uncertain significance for Brugada syndrome. Last evaluated: 2025-05-16. Review status: criteria provided, single submitter. Criteria: Invitae Variant Classification Sherloc (09022015). Collection method: clinical testing. Allele origin: germline.
Comment: This sequence change replaces phenylalanine, which is neutral and non-polar, with valine, which is neutral and non-polar, at codon 1404 of the SCN10A protein (p.Phe1404Val). This variant is not present in population databases (gnomAD no frequency). This missense change has been observed in individual(s) with clinical features of SCN10A-related conditions (PMID: 36344539). ClinVar contains an entry for this variant (Variation ID: 1809656). Invitae Evidence Modeling of protein sequence and biophysical properties (such as structural, functional, and spatial information, amino acid conservation, physicochemical variation, residue mobility, and thermodynamic stability) indicates that this missense variant is not expected to disrupt SCN10A protein function with a negative predictive value of 80%. In summary, the available evidence is currently insufficient to determine the role of this variant in disease. Therefore, it has been classified as a Variant of Uncertain Significance.

Ambry Genetics
Classification: Uncertain significance for Cardiovascular phenotype. Last evaluated: 2024-09-05. Review status: criteria provided, single submitter. Criteria: Ambry Variant Classification Scheme 2023. Collection method: clinical testing. Allele origin: germline.
Comment: The p.F1404V variant (also known as c.4210T>G), located in coding exon 24 of the SCN10A gene, results from a T to G substitution at nucleotide position 4210. The phenylalanine at codon 1404 is replaced by valine, an amino acid with highly similar properties. This amino acid position is highly conserved in available vertebrate species. In addition, this alteration is predicted to be deleterious by in silico analysis. Based on the available evidence, the clinical significance of this variant remains unclear.

Dubai Health Genomic Medicine Center, Dubai Health
Classification: Uncertain significance. Last evaluated: 2022-12-17. Review status: criteria provided, single submitter. Criteria: ACMG Guidelines, 2015. Collection method: clinical testing. Allele origin: germline. Affected: yes.

Mayo Clinic Laboratories, Mayo Clinic
Classification: Uncertain significance. Last evaluated: 2022-05-26. Review status: criteria provided, single submitter. Criteria: ACMG Guidelines, 2015. Collection method: clinical testing. Allele origin: germline. Observed: 1 variant allele.
Comment: PP3, PM2

Literature cited by the submitters: PubMed 36344539 (cited by Labcorp Genetics (formerly Invitae), Labcorp).

NM_006514.4(SCN10A):c.4210T>G (p.Phe1404Val)

Gene: SCN10A (sodium voltage-gated channel alpha subunit 10; minus strand). Cytogenetic location: 3p22.2.
Variant type: single nucleotide variant.
Coding change: c.4210T>G on transcript NM_006514.4 (MANE Select); coding-DNA position 4210, T replaced by G.
Protein change: p.Phe1404Val; replaces phenylalanine 1404 with valine.
Molecular consequence: missense variant.
Genome position (GRCh38, 1-based): chr3:38,709,549, A>C on the plus strand (T>G on the coding strand, the complement: SCN10A is on the minus strand). VCF-style: chr3-38709549-A-C. GRCh37 (hg19) VCF-style: chr3-38751040-A-C.
Other names: p.Phe1404Val; c.4210T>G (NM_006514.3, NM_006514.2); c.4207T>G, p.Phe1403Val (NM_001293306.2); c.3916T>G, p.Phe1306Val (NM_001293307.2); short protein forms F1306V, F1403V, F1404V.
Identifiers: ClinVar variation 1809656 (VCV001809656.5), dbSNP rs2470591235, ClinGen allele CA352149779.